The following is an entry in ClinVar:

NM_001378454.1(ALMS1):c.2002T>A (p.Ser668Thr)

Gene: ALMS1 (ALMS1 centrosome and basal body associated protein; plus strand). Cytogenetic location: 2p13.1.
Variant type: single nucleotide variant.
Coding change: c.2002T>A on transcript NM_001378454.1 (MANE Select); coding-DNA position 2002, T replaced by A.
Protein change: p.Ser668Thr; replaces serine 668 with threonine.
Molecular consequence: missense variant.
Genome position (GRCh38, 1-based): chr2:73,448,529, T>A. VCF-style: chr2-73448529-T-A. GRCh37 (hg19) VCF-style: chr2-73675656-T-A.
Other names: c.2005T>A, p.Ser669Thr (NM_015120.4); short protein forms S668T, S669T.
Identifiers: ClinVar variation 3351248 (VCV003351248.1).

ClinVar aggregate classification (germline): Uncertain significance (0 of 4 stars; one submission).

Conditions:
ALMS1-related disorder. Also called: ALMS1-related condition.

Submission:

PreventionGenetics, part of Exact Sciences
Classification: Uncertain significance for ALMS1-related condition. Last evaluated: 2024-05-06. Review status: no assertion criteria provided. Collection method: clinical testing. Allele origin: germline.
Comment: The ALMS1 c.2005T>A variant is predicted to result in the amino acid substitution p.Ser669Thr. To our knowledge, this variant has not been reported in the literature. This variant is reported in 0.026% of alleles in individuals of European (Non-Finnish) descent in gnomAD. At this time, the clinical significance of this variant is uncertain due to the absence of conclusive functional and genetic evidence.